The following is an entry in ClinVar:

ClinVar aggregate classification (germline): Conflicting classifications of pathogenicity. Review status: criteria provided, conflicting classifications (1 of 4 stars). 4 submissions from 4 submitters: Uncertain significance (2); Likely benign (2). Last evaluated 2026-06-16.

Conditions:
Hereditary cancer-predisposing syndrome. Also called: Neoplastic Syndromes, Hereditary; Hereditary Cancer Syndrome; Tumor predisposition; Hereditary neoplastic syndrome. Identifiers: Orphanet 140162, MedGen C0027672, MeSH D009386, MONDO:0015356.
Multiple endocrine neoplasia, type 1 (MEN1). Also called: MEN I; WERMER SYNDROME; Endocrine adenomatosis multiple; MEN 1; MEA I. Identifiers: Orphanet 652, MedGen C0025267, MeSH D018761, MONDO:0007540, OMIM 131100.
MEN1-related disorder. Also called: MEN1-related condition.

Allele frequency attached by ClinVar (database versions not stated): gnomAD 0.00002; gnomAD exomes below 0.00001; TOPMed 0.00003.

Submissions (4):

Ambry Genetics
Classification: Likely benign for Hereditary cancer-predisposing syndrome. Last evaluated: 2026-06-16. Review status: criteria provided, single submitter. Criteria: Ambry Variant Classification Scheme 2023. Collection method: clinical testing. Allele origin: germline.

Labcorp Genetics (formerly Invitae), Labcorp
Classification: Likely benign for Multiple endocrine neoplasia, type 1. Last evaluated: 2025-09-16. Review status: criteria provided, single submitter. Criteria: Invitae Variant Classification Sherloc (09022015). Collection method: clinical testing. Allele origin: germline.

PreventionGenetics, part of Exact Sciences
Classification: Uncertain significance for MEN1-related condition. Last evaluated: 2023-05-24. Review status: criteria provided, single submitter. Criteria: ACMG Guidelines, 2015. Collection method: clinical testing. Allele origin: germline.
Comment: The MEN1 c.898C>T variant is predicted to result in the amino acid substitution p.Arg300Trp. To our knowledge, this variant has not been reported in the literature. This variant is reported in 0.011% of alleles in individuals of African descent in gnomAD. At this time, the clinical significance of this variant is uncertain due to the absence of conclusive functional and genetic evidence.

Fulgent Genetics
Classification: Uncertain significance for Multiple endocrine neoplasia, type 1. Last evaluated: 2018-10-31. Review status: criteria provided, single submitter. Criteria: ACMG Guidelines, 2015. Collection method: clinical testing. Allele origin: unknown.

NM_001370259.2(MEN1):c.883C>T (p.Arg295Trp)

Gene: MEN1 (menin 1; minus strand). Cytogenetic location: 11q13.1.
Variant type: single nucleotide variant.
Coding change: c.883C>T on transcript NM_001370259.2 (MANE Select); coding-DNA position 883, C replaced by T.
Protein change: p.Arg295Trp; replaces arginine 295 with tryptophan.
Molecular consequence: missense variant.
Genome position (GRCh38, 1-based): chr11:64,807,040, G>A on the plus strand (C>T on the coding strand, the complement: MEN1 is on the minus strand). VCF-style: chr11-64807040-G-A. GRCh37 (hg19) VCF-style: chr11-64574512-G-A.
Other names: c.898C>T (NM_000244.3); c.898C>T, p.Arg300Trp (NM_130804.3, NM_130800.3, NM_130801.3 and 3 more transcripts); c.883C>T, p.Arg295Trp (NM_001370251.2, NM_001370260.2, NM_001370261.2 and 1 more transcripts); c.778C>T, p.Arg260Trp (NM_001370262.2, NM_001370263.2); short protein forms R300W, R295W, R260W.
Identifiers: ClinVar variation 403812 (VCV000403812.17), dbSNP rs1046929915, ClinGen allele CA16613627.